The following is an entry in ClinVar:

ClinVar aggregate classification (germline): Uncertain significance (1 of 4 stars; one submission).

Submission:

Ambry Genetics
Classification: Uncertain significance. Last evaluated: 2024-02-10. Review status: criteria provided, single submitter. Criteria: Ambry Variant Classification Scheme 2023. Collection method: clinical testing. Allele origin: germline.
Comment: The p.N1676S variant (also known as c.5027A>G), located in coding exon 16 of the POLQ gene, results from an A to G substitution at nucleotide position 5027. The asparagine at codon 1676 is replaced by serine, an amino acid with highly similar properties. This amino acid position is conserved. In addition, this alteration is predicted to be tolerated by in silico analysis. Based on the available evidence, the clinical significance of this alteration remains unclear.

NM_199420.4(POLQ):c.5027A>G (p.Asn1676Ser)

Gene: POLQ (DNA polymerase theta; minus strand). Cytogenetic location: 3q13.33.
Variant type: single nucleotide variant.
Coding change: c.5027A>G on transcript NM_199420.4 (MANE Select); coding-DNA position 5027, A replaced by G.
Protein change: p.Asn1676Ser; replaces asparagine 1676 with serine.
Molecular consequence: missense variant.
Genome position (GRCh38, 1-based): chr3:121,487,904, T>C on the plus strand (A>G on the coding strand, the complement: POLQ is on the minus strand). VCF-style: chr3-121487904-T-C. GRCh37 (hg19) VCF-style: chr3-121206751-T-C.
Other names: short protein forms N1676S.
Identifiers: ClinVar variation 3230035 (VCV003230035.1), dbSNP rs2546785228, ClinGen allele CA354092327.